The following is an entry in ClinVar:

ClinVar aggregate classification (germline): Uncertain significance (1 of 4 stars; one submission).

gnomAD v4.1: 1 of 1,605,672 alleles (0.000062%); highest among the groups gnomAD compares: Non-Finnish European, 0.000085%; no homozygotes.

Submission:

Labcorp Genetics (formerly Invitae), Labcorp
Classification: Uncertain significance. Last evaluated: 2025-02-26. Review status: criteria provided, single submitter. Criteria: Invitae Variant Classification Sherloc (09022015). Collection method: clinical testing. Allele origin: germline.
Comment: This sequence change replaces cysteine, which is neutral and slightly polar, with serine, which is neutral and polar, at codon 126 of the PPP1CB protein (p.Cys126Ser). This variant is not present in population databases (gnomAD no frequency). This variant has not been reported in the literature in individuals affected with PPP1CB-related conditions. Invitae Evidence Modeling of protein sequence and biophysical properties (such as structural, functional, and spatial information, amino acid conservation, physicochemical variation, residue mobility, and thermodynamic stability) indicates that this missense variant is not expected to disrupt PPP1CB protein function with a negative predictive value of 80%. In summary, the available evidence is currently insufficient to determine the role of this variant in disease. Therefore, it has been classified as a Variant of Uncertain Significance.

NM_002709.3(PPP1CB):c.377G>C (p.Cys126Ser)

Gene: PPP1CB (protein phosphatase 1 catalytic subunit beta; plus strand). Cytogenetic location: 2p23.2.
Variant type: single nucleotide variant.
Coding change: c.377G>C on transcript NM_002709.3 (MANE Select); coding-DNA position 377, G replaced by C.
Protein change: p.Cys126Ser; replaces cysteine 126 with serine.
Molecular consequence: missense variant.
Genome position (GRCh38, 1-based): chr2:28,779,001, G>C. VCF-style: chr2-28779001-G-C. GRCh37 (hg19) VCF-style: chr2-29001867-G-C.
Other names: c.377G>C, p.Cys126Ser (NM_206876.2); short protein forms C126S.
Identifiers: ClinVar variation 4739701 (VCV004739701.1).